The following is an entry in ClinVar:

ClinVar aggregate classification (germline): Uncertain significance (1 of 4 stars; one submission).

Conditions:
Inborn genetic diseases. Identifiers: MedGen C0950123, MeSH D030342.

Allele frequency attached by ClinVar (database versions not stated): gnomAD exomes below 0.00001; TOPMed below 0.00001.
gnomAD v4.1: 2 of 1,614,188 alleles (0.00012%); highest among the groups gnomAD compares: African/African-American, 0.0013%; no homozygotes.

Submission:

Ambry Genetics
Classification: Uncertain significance for Inborn genetic diseases. Last evaluated: 2019-08-08. Review status: criteria provided, single submitter. Criteria: Ambry Variant Classification Scheme 2023. Collection method: clinical testing. Allele origin: germline.
Comment: The p.E1088G variant (also known as c.3263A>G), located in coding exon 7 of the ANKRD11 gene, results from an A to G substitution at nucleotide position 3263. The glutamic acid at codon 1088 is replaced by glycine, an amino acid with similar properties. This amino acid position is well conserved in available vertebrate species. In addition, this alteration is predicted to be tolerated by in silico analysis. Since supporting evidence is limited at this time, the clinical significance of this alteration remains unclear.

NM_013275.6(ANKRD11):c.3263A>G (p.Glu1088Gly)

Gene: ANKRD11 (ankyrin repeat domain containing 11; minus strand). Cytogenetic location: 16q24.3.
Variant type: single nucleotide variant.
Coding change: c.3263A>G on transcript NM_013275.6 (MANE Select); coding-DNA position 3263, A replaced by G.
Protein change: p.Glu1088Gly; replaces glutamic acid 1088 with glycine.
Molecular consequence: missense variant.
Genome position (GRCh38, 1-based): chr16:89,283,279, T>C on the plus strand (A>G on the coding strand, the complement: ANKRD11 is on the minus strand). VCF-style: chr16-89283279-T-C. GRCh37 (hg19) VCF-style: chr16-89349687-T-C.
Other names: c.3263A>G, p.Glu1088Gly (NM_001256182.2, NM_001256183.2); short protein forms E1088G.
Identifiers: ClinVar variation 1729552 (VCV001729552.2), dbSNP rs1339288172, ClinGen allele CA397160209.